The following is an entry in ClinVar:

ClinVar aggregate classification (germline): Uncertain significance. Review status: criteria provided, multiple submitters, no conflicts (2 of 4 stars). 2 submissions from 2 submitters: Uncertain significance (2). Last evaluated 2024-11-11.

Allele frequency attached by ClinVar (database versions not stated): gnomAD exomes 0.00001; TOPMed 0.00001; ExAC 0.00003.
gnomAD v4.1: 9 of 1,609,294 alleles (0.00056%); highest among the groups gnomAD compares: Admixed American, 0.0034%; no homozygotes.

Submissions (2):

Blueprint Genetics
Classification: Uncertain significance. Last evaluated: 2024-11-11. Review status: criteria provided, single submitter. Criteria: ACMG Guidelines, 2015. Collection method: clinical testing. Allele origin: germline.

Labcorp Genetics (formerly Invitae), Labcorp
Classification: Uncertain significance. Last evaluated: 2023-05-15. Review status: criteria provided, single submitter. Criteria: Invitae Variant Classification Sherloc (09022015). Collection method: clinical testing. Allele origin: germline.
Comment: In summary, the available evidence is currently insufficient to determine the role of this variant in disease. Therefore, it has been classified as a Variant of Uncertain Significance. Advanced modeling of protein sequence and biophysical properties (such as structural, functional, and spatial information, amino acid conservation, physicochemical variation, residue mobility, and thermodynamic stability) performed at Invitae indicates that this missense variant is not expected to disrupt TRPM1 protein function. ClinVar contains an entry for this variant (Variation ID: 1923173). This variant has not been reported in the literature in individuals affected with TRPM1-related conditions. This variant is present in population databases (rs752692162, gnomAD 0.006%). This sequence change replaces lysine, which is basic and polar, with glutamic acid, which is acidic and polar, at codon 591 of the TRPM1 protein (p.Lys591Glu).

NM_001252024.2(TRPM1):c.1837A>G (p.Lys613Glu)

Gene: TRPM1 (transient receptor potential cation channel subfamily M member 1; minus strand). Cytogenetic location: 15q13.3.
Variant type: single nucleotide variant.
Coding change: c.1837A>G on transcript NM_001252024.2 (MANE Select); coding-DNA position 1837, A replaced by G.
Protein change: p.Lys613Glu; replaces lysine 613 with glutamic acid.
Molecular consequence: missense variant.
Genome position (GRCh38, 1-based): chr15:31,042,201, T>C on the plus strand (A>G on the coding strand, the complement: TRPM1 is on the minus strand). VCF-style: chr15-31042201-T-C. GRCh37 (hg19) VCF-style: chr15-31334404-T-C.
Other names: c.1888A>G, p.Lys630Glu (NM_001252020.2); c.1771A>G, p.Lys591Glu (NM_002420.6); short protein forms K613E, K630E, K591E.
Identifiers: ClinVar variation 1923173 (VCV001923173.6), dbSNP rs752692162, ClinGen allele CA7452385.